The following is an entry in ClinVar:

ClinVar aggregate classification (germline): Uncertain significance (1 of 4 stars; one submission).

Submission:

Labcorp Genetics (formerly Invitae), Labcorp
Classification: Uncertain significance. Last evaluated: 2025-07-29. Review status: criteria provided, single submitter. Criteria: Invitae Variant Classification Sherloc (09022015). Collection method: clinical testing. Allele origin: germline.
Comment: This sequence change replaces proline, which is neutral and non-polar, with leucine, which is neutral and non-polar, at codon 1493 of the SETBP1 protein (p.Pro1493Leu). This variant is not present in population databases (gnomAD no frequency). This variant has not been reported in the literature in individuals affected with SETBP1-related conditions. Invitae Evidence Modeling of protein sequence and biophysical properties (such as structural, functional, and spatial information, amino acid conservation, physicochemical variation, residue mobility, and thermodynamic stability) indicates that this missense variant is not expected to disrupt SETBP1 protein function with a negative predictive value of 80%. In summary, the available evidence is currently insufficient to determine the role of this variant in disease. Therefore, it has been classified as a Variant of Uncertain Significance.

NM_015559.3(SETBP1):c.4478C>T (p.Pro1493Leu)

Gene: SETBP1 (SET binding protein 1; plus strand). Cytogenetic location: 18q12.3.
Variant type: single nucleotide variant.
Coding change: c.4478C>T on transcript NM_015559.3 (MANE Select); coding-DNA position 4478, C replaced by T.
Protein change: p.Pro1493Leu; replaces proline 1493 with leucine.
Molecular consequence: missense variant.
Genome position (GRCh38, 1-based): chr18:45,063,385, C>T. VCF-style: chr18-45063385-C-T. GRCh37 (hg19) VCF-style: chr18-42643350-C-T.
Other names: c.4478C>T, p.Pro1493Leu (NM_001379141.1, NM_001379142.1); c.4307C>T, p.Pro1436Leu (NM_001410862.1); short protein forms P1436L, P1493L.
Identifiers: ClinVar variation 4779837 (VCV004779837.1).